The following is an entry in ClinVar:

ClinVar aggregate classification (germline): Likely benign. Review status: criteria provided, multiple submitters, no conflicts (2 of 4 stars). 3 submissions from 3 submitters: Likely benign (2). 1 of the submissions does not count toward it. Last evaluated 2023-03-18.

Conditions:
FAM161A-related disorder. Also called: FAM161A-related condition.

Allele frequency attached by ClinVar (database versions not stated): gnomAD 0.00001.

Submissions (3):

Labcorp Genetics (formerly Invitae), Labcorp
Classification: Likely benign. Last evaluated: 2023-03-18. Review status: criteria provided, single submitter. Criteria: Invitae Variant Classification Sherloc (09022015). Collection method: clinical testing. Allele origin: germline.

Blueprint Genetics
Classification: Likely benign. Last evaluated: 2018-11-13. Review status: criteria provided, single submitter. Criteria: ACMG Guidelines, 2015. Collection method: clinical testing. Allele origin: germline.

PreventionGenetics, part of Exact Sciences
Classification: Likely benign for FAM161A-related condition. Last evaluated: 2024-08-06. Review status: no assertion criteria provided. Collection method: clinical testing. Allele origin: germline. Not counted in ClinVar's aggregate classification.
Comment: This variant is classified as likely benign based on ACMG/AMP sequence variant interpretation guidelines (Richards et al. 2015 PMID: 25741868, with internal and published modifications).

NM_001201543.2(FAM161A):c.438G>A (p.Lys146=)

Gene: FAM161A (FAM161 centrosomal protein A; minus strand). Cytogenetic location: 2p15.
Variant type: single nucleotide variant.
Coding change: c.438G>A on transcript NM_001201543.2 (MANE Select); coding-DNA position 438, G replaced by A.
Protein change: p.Lys146=; no amino-acid change (lysine 146 retained).
Molecular consequence: synonymous variant.
Genome position (GRCh38, 1-based): chr2:61,840,566, C>T on the plus strand (G>A on the coding strand, the complement: FAM161A is on the minus strand). VCF-style: chr2-61840566-C-T. GRCh37 (hg19) VCF-style: chr2-62067701-C-T.
Other names: c.438G>A (NM_001201543.1); c.438G>A, p.Lys146= (NM_032180.3).
Identifiers: ClinVar variation 1158171 (VCV001158171.11), dbSNP rs745589854, ClinGen allele CA1679352.